The following is an entry in ClinVar:

NM_000094.4(COL7A1):c.4018C>T (p.Arg1340Ter)

Gene: COL7A1 (collagen type VII alpha 1 chain; minus strand). Cytogenetic location: 3p21.31.
Variant type: single nucleotide variant.
Coding change: c.4018C>T on transcript NM_000094.4 (MANE Select); coding-DNA position 4018, C replaced by T.
Protein change: p.Arg1340Ter; replaces arginine 1340 with a stop codon.
Molecular consequence: nonsense.
Genome position (GRCh38, 1-based): chr3:48,584,763, G>A on the plus strand (C>T on the coding strand, the complement: COL7A1 is on the minus strand). VCF-style: chr3-48584763-G-A. GRCh37 (hg19) VCF-style: chr3-48622196-G-A.
Other names: short protein forms R1340*.
Identifiers: ClinVar variation 864784 (VCV000864784.19), dbSNP rs761927109, ClinGen allele CA2380267.
Genomic context (GRCh38, chr3:48,584,763, plus strand): 5'-TCCCGGCCGCCTCCCTTCCCCCTTCACCTACCGGCTCCCCCTTTGGGCCTCGAGGTCCTC[G>A]CTCTCCCTGAGGACGAAACAGAGCAGAGGGTGGTGCTTGGGCTCAGGCGAATGTCAACGT-3'

ClinVar aggregate classification (germline): Pathogenic. Review status: criteria provided, multiple submitters, no conflicts (2 of 4 stars). 8 submissions from 8 submitters: Pathogenic (8). Last evaluated 2025-12-01.

Conditions:
Recessive dystrophic epidermolysis bullosa (RDEB). Also called: severe generalized recessive dystrophic epidermolysis bullosa; Recessive DEB (RDEB); Hallopeau-Siemens Disease; epidermolysis bullosa dystrophica, autosomal recessive; EPIDERMOLYSIS BULLOSA DYSTROPHICA, GENERALIZED SEVERE, AUTOSOMAL RECESSIVE; DYSTROPHIC EPIDERMOLYSIS BULLOSA, AUTOSOMAL RECESSIVE. Identifiers: Orphanet 79408, Orphanet 79409, MedGen C0079474, MONDO:0009179, OMIM 226600.
Epidermolysis bullosa dystrophica. Also called: Dystrophic epidermolysis bullosa; Dystrophic epidermolysis bullosa, Hallopeau-Siemens type (formerly). Identifiers: Orphanet 303, MedGen C0079294, MONDO:0006543.
Pretibial dystrophic epidermolysis bullosa. Also called: EPIDERMOLYSIS BULLOSA DYSTROPHICA, PRETIBIAL; Pretibial blistering; Pretibial epidermolysis bullosa. Identifiers: Orphanet 79410, MedGen C0432321, MONDO:0007552, OMIM 131850, HP:0012221.
Transient bullous dermolysis of the newborn (TBDN). Also called: DYSTROPHIC EPIDERMOLYSIS BULLOSA, NEONATAL; EPIDERMOLYSIS BULLOSA DYSTROPHICA, NEONATAL FORM. Identifiers: Orphanet 79411, MedGen C1851573, MONDO:0007548, OMIM 131705.
Nonsyndromic congenital nail disorder 8. Also called: TOENAIL DYSTROPHY, ISOLATED. Identifiers: MedGen C1843761, MONDO:0011852, OMIM 607523.
Epidermolysis bullosa pruriginosa. Also called: DEB, PRURIGINOSA; DYSTROPHIC EPIDERMOLYSIS BULLOSA PRURIGINOSA. Identifiers: Orphanet 89843, MedGen C1275114, MONDO:0011398, OMIM 604129.
Dominant dystrophic epidermolysis bullosa with absence of skin. Also called: EPIDERMOLYSIS BULLOSA WITH CONGENITAL LOCALIZED ABSENCE OF SKIN AND DEFORMITY OF NAILS; EPIDERMOLYSIS BULLOSA DYSTROPHICA, BART TYPE. Identifiers: MedGen C0268371, MONDO:0007557, OMIM 132000.
Generalized dominant dystrophic epidermolysis bullosa (DDEB). Also called: Dominant DEB (DDEB); DDEB, generalized; DDEB-gen; DYSTROPHIC EPIDERMOLYSIS BULLOSA, AUTOSOMAL DOMINANT; Epidermolysis bullosa dystrophica, autosomal dominant. Identifiers: Orphanet 231568, MedGen C0432322, MONDO:0007549, OMIM 131750.

Allele frequency attached by ClinVar (database versions not stated): ExAC 0.00001; TOPMed 0.00001; gnomAD exomes 0.00002.
gnomAD v4.1: 21 of 1,613,938 alleles (0.0013%); highest among the groups gnomAD compares: East Asian, 0.0022%; no homozygotes.

Submissions (8):

Natera, Inc.
Classification: Pathogenic for Dystrophic epidermolysis bullosa. Last evaluated: 2025-12-01. Review status: criteria provided, single submitter. Criteria: Natera Variant Classification Schema (03/2026). Collection method: clinical testing. Allele origin: germline.
Comment: The c.4018C>T variant in COL7A1 is a nonsense variant predicted to introduce a stop codon at amino acid 1340. This variant is expected to result in nonsense mediated decay, truncation, or a dysfunctional protein product. This variant has been observed in one or more individuals affected with the associated recessive disease, as either homozygous or compound heterozygous with a second variant (PMID: 20555349). Additionally, this variant has been observed to segregate in affected family members (PMID: 20555349). Given the available evidence, this variant is classified as Pathogenic.

Dasa
Classification: Pathogenic. Last evaluated: 2025-09-08. Review status: criteria provided, single submitter. Criteria: DASA Assertion Criteria. Collection method: clinical testing. Allele origin: germline.
Comment: NM_000094.4(COL7A1):c.4018C>T (p.Arg1340*) introduces a premature termination codon predicted to result in loss of normal protein function. Loss-of-function is an established mechanism of disease for this gene. This variant has been observed in affected individuals with related phenotype in a genotype context consistent with recessive disease (PMID: 21113014; PMID: 16189623; PMID: 31001817). This variant has been recurrently observed in individuals with related phenotype (PMID: 21113014; PMID: 16189623; PMID: 31001817). The variant is present at low frequency in population datasets. Based on the available data, this variant is classified as pathogenic.

Labcorp Genetics (formerly Invitae), Labcorp
Classification: Pathogenic. Last evaluated: 2025-07-02. Review status: criteria provided, single submitter. Criteria: Invitae Variant Classification Sherloc (09022015). Collection method: clinical testing. Allele origin: germline.
Comment: This sequence change creates a premature translational stop signal (p.Arg1340*) in the COL7A1 gene. It is expected to result in an absent or disrupted protein product. Loss-of-function variants in COL7A1 are known to be pathogenic (PMID: 16971478). This variant is present in population databases (rs761927109, gnomAD 0.04%). This premature translational stop signal has been observed in individuals with autosomal recessive dystrophic epidermolysis bullosa (PMID: 16189623, 31001817). ClinVar contains an entry for this variant (Variation ID: 864784). For these reasons, this variant has been classified as Pathogenic.

Myriad Genetics, Inc.
Classification: Pathogenic for Recessive dystrophic epidermolysis bullosa. Last evaluated: 2025-03-21. Review status: criteria provided, single submitter. Criteria: Myriad Autosomal Dominant, Autosomal Recessive and X-Linked Classification Criteria (2023). Collection method: clinical testing. Allele origin: unknown.
Comment: NM_000094.3(COL7A1):c.4018C>T(R1340*) is expected to be pathogenic in the context of dystrophic epidermolysis bullosa. This variant is predicted to lead to an abnormal or absent protein product due to the creation of a premature termination codon in COL7A1, a gene where loss-of-function variants are known to be pathogenic. Please note: this variant was assessed in the context of healthy population screening.

Department of Pathology and Laboratory Medicine, Sinai Health System
Classification: Pathogenic for Epidermolysis bullosa pruriginosa; Transient bullous dermolysis of the newborn; Pretibial dystrophic epidermolysis bullosa; Nonsyndromic congenital nail disorder 8; Recessive dystrophic epidermolysis bullosa. Last evaluated: 2023-06-19. Review status: criteria provided, single submitter. Criteria: ACMG Guidelines, 2015. Collection method: research. Allele origin: germline.

Mendelics
Classification: Pathogenic for Transient bullous dermolysis of the newborn. Last evaluated: 2022-05-04. Review status: criteria provided, single submitter. Criteria: Mendelics Assertion Criteria 2019. Collection method: clinical testing. Allele origin: germline.

GeneDx
Classification: Pathogenic. Last evaluated: 2022-04-22. Review status: criteria provided, single submitter. Criteria: GeneDx Variant Classification Process June 2021. Collection method: clinical testing. Allele origin: germline. Affected: yes.
Comment: Nonsense variant predicted to result in protein truncation or nonsense mediated decay in a gene for which loss-of-function is a known mechanism of disease; This variant is associated with the following publications: (PMID: 10504458, 20555349, 20598510, 31001817, 8037207, 16189623)

Fulgent Genetics
Classification: Pathogenic for Transient bullous dermolysis of the newborn; Generalized dominant dystrophic epidermolysis bullosa; Pretibial dystrophic epidermolysis bullosa; Dominant dystrophic epidermolysis bullosa with absence of skin; Recessive dystrophic epidermolysis bullosa; Epidermolysis bullosa pruriginosa; Nonsyndromic congenital nail disorder 8. Last evaluated: 2021-10-01. Review status: criteria provided, single submitter. Criteria: ACMG Guidelines, 2015. Collection method: clinical testing. Allele origin: unknown.

Literature cited by the submitters: PubMed 20555349 (cited by Natera, Inc.); PubMed 21113014 (cited by Dasa); PubMed 16189623 (cited by Dasa and Labcorp Genetics (formerly Invitae), Labcorp); PubMed 31001817 (cited by Dasa and Labcorp Genetics (formerly Invitae), Labcorp); PubMed 16971478 (cited by Labcorp Genetics (formerly Invitae), Labcorp).